The following is an entry in ClinVar:

NM_024334.3(TMEM43):c.796C>T (p.Arg266Trp)

Gene: TMEM43 (transmembrane protein 43; plus strand). Cytogenetic location: 3p25.1.
Variant type: single nucleotide variant.
Coding change: c.796C>T on transcript NM_024334.3 (MANE Select); coding-DNA position 796, C replaced by T.
Protein change: p.Arg266Trp; replaces arginine 266 with tryptophan.
Molecular consequence: missense variant.
Genome position (GRCh38, 1-based): chr3:14,135,822, C>T. VCF-style: chr3-14135822-C-T. GRCh37 (hg19) VCF-style: chr3-14177322-C-T.
Other names: short protein forms R266W.
Identifiers: ClinVar variation 180544 (VCV000180544.20), dbSNP rs139842014, ClinGen allele CA024757.

ClinVar aggregate classification (germline): Conflicting classifications of pathogenicity. Review status: criteria provided, conflicting classifications (1 of 4 stars). 6 submissions from 6 submitters: Uncertain significance (5); Likely benign (1). Last evaluated 2026-01-24.

Conditions:
Arrhythmogenic right ventricular dysplasia 5. Also called: ARRHYTHMOGENIC RIGHT VENTRICULAR DYSPLASIA, FAMILIAL, 5; Arrhythmogenic Right Ventricular Dysplasia/Cardiomyopathy 5. Identifiers: MedGen C1858379, MONDO:0011459, OMIM 604400.
Auditory neuropathy, autosomal dominant 3 (AUNA3). Identifiers: MedGen C5676964, MONDO:0859235, OMIM 619832.
Emery-Dreifuss muscular dystrophy 7, autosomal dominant (EDMD7). Also called: Emery-Dreifuss muscular dystrophy 7, AD. Identifiers: Orphanet 261, MedGen C3553060, MONDO:0013677, OMIM 614302.
Cardiovascular phenotype. Identifiers: MedGen CN230736.
Cardiomyopathy (CMYO). Also called: Cardiomyopathies. Identifiers: Orphanet 167848, MedGen C0878544, MONDO:0004994, HP:0001638. Inheritance: Various modes of inheritance.

Allele frequency attached by ClinVar (database versions not stated): gnomAD exomes 0.00007 and 0.00003; gnomAD 0.00003; 1000 Genomes Project 30x 0.00031; TOPMed 0.00006; ExAC 0.00007; ESP Exome Variant Server 0.00008; 1000 Genomes Project 0.00020.

Submissions (6):

Labcorp Genetics (formerly Invitae), Labcorp
Classification: Uncertain significance for Arrhythmogenic right ventricular dysplasia 5. Last evaluated: 2026-01-24. Review status: criteria provided, single submitter. Criteria: Invitae Variant Classification Sherloc (09022015). Collection method: clinical testing. Allele origin: germline.
Comment: This sequence change replaces arginine, which is basic and polar, with tryptophan, which is neutral and slightly polar, at codon 266 of the TMEM43 protein (p.Arg266Trp). This variant is present in population databases (rs139842014, gnomAD 0.03%), and has an allele count higher than expected for a pathogenic variant. This variant has not been reported in the literature in individuals affected with TMEM43-related conditions. ClinVar contains an entry for this variant (Variation ID: 180544). Invitae Evidence Modeling of protein sequence and biophysical properties (such as structural, functional, and spatial information, amino acid conservation, physicochemical variation, residue mobility, and thermodynamic stability) indicates that this missense variant is expected to disrupt TMEM43 protein function with a positive predictive value of 80%. In summary, the available evidence is currently insufficient to determine the role of this variant in disease. Therefore, it has been classified as a Variant of Uncertain Significance.

All of Us Research Program, National Institutes of Health
Classification: Uncertain significance for Arrhythmogenic right ventricular dysplasia 5. Last evaluated: 2024-07-02. Review status: criteria provided, single submitter. Criteria: ACMG Guidelines, 2015. Collection method: clinical testing. Allele origin: germline. Inheritance: Autosomal dominant inheritance. Observed: 24 variant alleles, 24 heterozygotes.
Comment: This missense variant replaces arginine with tryptophan at codon 266 of the TMEM43 protein. Computational prediction suggests that this variant may not impact protein structure and function (internally defined REVEL score threshold <= 0.5, PMID: 27666373). To our knowledge, functional studies have not been reported for this variant. This variant has been reported in an individual affected with Emery-Dreifuss muscular dystrophy, who also carried a pathogenic variant (c.122G>A, p.Arg41His) in the LMNA gene that could explain the observed phenotype (PMID: 29311375). This variant has been identified in 19/280930 chromosomes in the general population by the Genome Aggregation Database (gnomAD). The available evidence is insufficient to determine the role of this variant in disease conclusively. Therefore, this variant is classified as a Variant of Uncertain Significance.

This study involves interpretation of variants in research participants for the purpose of population health screening. Participant phenotype was not available at the time of variant classification. Additional details can be found in publication PMID: 35346344, PMCID: PMC8962531

Color Diagnostics, LLC DBA Color Health
Classification: Uncertain significance for Cardiomyopathy. Last evaluated: 2024-03-06. Review status: criteria provided, single submitter. Criteria: ACMG Guidelines, 2015. Collection method: clinical testing. Allele origin: germline.
Comment: This missense variant replaces arginine with tryptophan at codon 266 of the TMEM43 protein. Computational prediction suggests that this variant may not impact protein structure and function (internally defined REVEL score threshold <= 0.5, PMID: 27666373). To our knowledge, functional studies have not been reported for this variant. This variant has been reported in an individual affected with Emery-Dreifuss muscular dystrophy, who also carried a pathogenic variant (c.122G>A, p.Arg41His) in the LMNA gene that could explain the observed phenotype (PMID: 29311375). This variant has been identified in 19/280930 chromosomes in the general population by the Genome Aggregation Database (gnomAD). The available evidence is insufficient to determine the role of this variant in disease conclusively. Therefore, this variant is classified as a Variant of Uncertain Significance.

Fulgent Genetics
Classification: Uncertain significance for Arrhythmogenic right ventricular dysplasia 5; Emery-Dreifuss muscular dystrophy 7, autosomal dominant; Auditory neuropathy, autosomal dominant 3. Last evaluated: 2021-11-09. Review status: criteria provided, single submitter. Criteria: ACMG Guidelines, 2015. Collection method: clinical testing. Allele origin: unknown.

GeneDx
Classification: Uncertain significance. Last evaluated: 2021-09-14. Review status: criteria provided, single submitter. Criteria: GeneDx Variant Classification Process June 2021. Collection method: clinical testing. Allele origin: germline. Affected: yes.
Comment: Has not been previously published as pathogenic or benign to our knowledge; In silico analysis supports that this missense variant has a deleterious effect on protein structure/function; Reported in ClinVar as a variant of uncertain significance (ClinVar Variant ID# 180544; Landrum et al., 2016); This variant is associated with the following publications: (PMID: 26582918)

Ambry Genetics
Classification: Likely benign for Cardiovascular phenotype. Last evaluated: 2021-09-11. Review status: criteria provided, single submitter. Criteria: Ambry Variant Classification Scheme 2023. Collection method: clinical testing. Allele origin: germline.

Literature cited by the submitters: PubMed 29311375 (cited by 3 submitters).